The following is an entry in ClinVar:

NM_005996.4(TBX3):c.961dup (p.Ser321fs)

Gene: TBX3 (T-box transcription factor 3; minus strand). Cytogenetic location: 12q24.21.
Variant type: Duplication.
Coding change: c.961dup on transcript NM_005996.4 (MANE Select); coding-DNA position 961, one base duplicated (A; older notation c.961dupA).
Protein change: p.Ser321fs; shifts the reading frame from serine 321.
Molecular consequence: frameshift variant.
Genome position (GRCh38, 1-based): chr12:114,676,391, T duplicated on the plus strand (A on the coding strand, the reverse complement: TBX3 is on the minus strand). VCF-style (leftmost placement, unchanged base first): chr12-114676390-C-CT. GRCh37 (hg19) VCF-style: chr12-115114195-C-CT.
Other names: c.1021dup, p.Ser341fs (NM_016569.4); short protein forms S321fs, S341fs.
Identifiers: ClinVar variation 1709213 (VCV001709213.2), dbSNP rs2499790237, ClinGen allele CA2580085851.
Genomic context (GRCh38, chr12:114,676,390, plus strand): 5'-CCTACAGTGGAGGCGGCTGGAGAAGAAGCCTGGGCGAAGCAGTTGAAAGCTGCTTGTTCA[C>CT]TGGAGGACTCATCAGAGGTCCCATTCTCCTTTTTGTGTCTTTCATCAAACACCCTCATGG-3'

ClinVar aggregate classification (germline): Likely pathogenic (1 of 4 stars; one submission).

Conditions:
Ulnar-mammary syndrome (UMS). Also called: SCHINZEL SYNDROME; PALLISTER ULNAR-MAMMARY SYNDROME; Ulnar-mammary syndrome of Pallister. Identifiers: Orphanet 3138, MedGen C1866994, MONDO:0008411, OMIM 181450.

Submission:

MGZ Medical Genetics Center
Classification: Likely pathogenic for Ulnar-mammary syndrome. Last evaluated: 2022-02-23. Review status: criteria provided, single submitter. Criteria: ACMG Guidelines, 2015. Collection method: clinical testing. Allele origin: germline. Affected: yes. Observed: 1 variant allele.
Comment: ACMG criteria applied: PVS1, PM2_SUP